The following is an entry in ClinVar:

ClinVar aggregate classification (germline): Uncertain significance (1 of 4 stars; one submission).

Conditions:
Lethal multiple pterygium syndrome (LMPS). Identifiers: Orphanet 33108, MedGen C1854678, MONDO:0009668, OMIM 253290.

gnomAD v4.1: 2 of 1,614,210 alleles (0.00012%); highest among the groups gnomAD compares: Non-Finnish European, 0.00017%; no homozygotes.

Submission:

Labcorp Genetics (formerly Invitae), Labcorp
Classification: Uncertain significance for Lethal multiple pterygium syndrome. Last evaluated: 2025-11-13. Review status: criteria provided, single submitter. Criteria: Invitae Variant Classification Sherloc (09022015). Collection method: clinical testing. Allele origin: germline.
Comment: This sequence change replaces aspartic acid, which is acidic and polar, with glutamic acid, which is acidic and polar, at codon 90 of the CHRNA1 protein (p.Asp90Glu). This variant is present in population databases (rs746590795, gnomAD 0.0009%). This variant has not been reported in the literature in individuals affected with CHRNA1-related conditions. Invitae Evidence Modeling of protein sequence and biophysical properties (such as structural, functional, and spatial information, amino acid conservation, physicochemical variation, residue mobility, and thermodynamic stability) indicates that this missense variant is not expected to disrupt CHRNA1 protein function with a negative predictive value of 80%. In summary, the available evidence is currently insufficient to determine the role of this variant in disease. Therefore, it has been classified as a Variant of Uncertain Significance.

NM_000079.4(CHRNA1):c.270T>A (p.Asp90Glu)

Gene: CHRNA1 (cholinergic receptor nicotinic alpha 1 subunit; minus strand). Cytogenetic location: 2q31.1.
Variant type: single nucleotide variant.
Coding change: c.270T>A on transcript NM_000079.4 (MANE Select); coding-DNA position 270, T replaced by A.
Protein change: p.Asp90Glu; replaces aspartic acid 90 with glutamic acid.
Molecular consequence: missense variant.
Genome position (GRCh38, 1-based): chr2:174,757,640, A>T on the plus strand (T>A on the coding strand, the complement: CHRNA1 is on the minus strand). VCF-style: chr2-174757640-A-T. GRCh37 (hg19) VCF-style: chr2-175622368-A-T.
Other names: c.345T>A, p.Asp115Glu (NM_001039523.3); short protein forms D115E, D90E.
Identifiers: ClinVar variation 4764572 (VCV004764572.1).